The following is an entry in ClinVar:

ClinVar aggregate classification (germline): Uncertain significance (1 of 4 stars; one submission).

Conditions:
Combined immunodeficiency due to LRBA deficiency. Also called: Common variable immunodeficiency 8, with autoimmunity. Identifiers: Orphanet 445018, MedGen C3553512, MONDO:0013863, OMIM 614700.

Allele frequency attached by ClinVar (database versions not stated): gnomAD exomes below 0.00001; ExAC 0.00001; ESP Exome Variant Server 0.00008.
gnomAD v4.1: 1 of 1,614,136 alleles (0.000062%); highest among the groups gnomAD compares: Non-Finnish European, 0.000085%; no homozygotes.

Submission:

Labcorp Genetics (formerly Invitae), Labcorp
Classification: Uncertain significance for Combined immunodeficiency due to LRBA deficiency. Last evaluated: 2021-06-05. Review status: criteria provided, single submitter. Criteria: Invitae Variant Classification Sherloc (09022015). Collection method: clinical testing. Allele origin: germline.
Comment: This sequence change replaces glutamine with histidine at codon 2813 of the LRBA protein (p.Gln2813His). The glutamine residue is moderately conserved and there is a small physicochemical difference between glutamine and histidine. This variant is present in population databases (rs375863683, ExAC 0.002%). This variant has not been reported in the literature in individuals with LRBA-related conditions. Algorithms developed to predict the effect of missense changes on protein structure and function output the following: SIFT: "Tolerated"; PolyPhen-2: "Benign"; Align-GVGD: "Class C0". The histidine amino acid residue is found in multiple mammalian species, suggesting that this missense change does not adversely affect protein function. These predictions have not been confirmed by published functional studies and their clinical significance is uncertain. In summary, the available evidence is currently insufficient to determine the role of this variant in disease. Therefore, it has been classified as a Variant of Uncertain Significance.

NM_001364905.1(LRBA):c.8406G>C (p.Gln2802His)

Gene: LRBA (LPS responsive beige-like anchor protein; minus strand). Cytogenetic location: 4q31.3.
Variant type: single nucleotide variant.
Coding change: c.8406G>C on transcript NM_001364905.1 (MANE Select); coding-DNA position 8406, G replaced by C.
Protein change: p.Gln2802His; replaces glutamine 2802 with histidine.
Molecular consequence: missense variant.
Genome position (GRCh38, 1-based): chr4:150,277,915, C>G on the plus strand (G>C on the coding strand, the complement: LRBA is on the minus strand). VCF-style: chr4-150277915-C-G. GRCh37 (hg19) VCF-style: chr4-151199067-C-G.
Other names: c.8439G>C, p.Gln2813His (NM_006726.5); c.8403G>C, p.Gln2801His (NM_001199282.3); c.8421G>C, p.Gln2807His (NM_001367550.1); short protein forms Q2801H, Q2813H, Q2807H, Q2802H.
Identifiers: ClinVar variation 1496522 (VCV001496522.8), dbSNP rs375863683, ClinGen allele CA3101353.
Genomic context (GRCh38, chr4:150,277,915, plus strand): 5'-CTGGTCGTAAGACAGCGCCATGGCCCGGATTCCAGCGTCACATCCTGGATAGGCAAAGAG[C>G]TGCTTGAGGTCCGACACCTGCCGGACCACGACCACTCCTCTGTCTCCTCCTGTGAGCAGG-3'
Protein context (NP_001351834.1, residues 2792-2812): VVVRQVSDLK[Gln2802His]LFAYPGCDAG